The following is an entry in ClinVar:

ClinVar aggregate classification (germline): Uncertain significance. Review status: criteria provided, multiple submitters, no conflicts (2 of 4 stars). 2 submissions from 2 submitters: Uncertain significance (2). Last evaluated 2026-04-14.

Conditions:
Familial intrahepatic cholestasis. Identifiers: Orphanet 284385, MedGen CN296401, MONDO:0017290.

Submissions (2):

Genomenon, Inc
Classification: Uncertain significance for Familial intrahepatic cholestasis. Last evaluated: 2026-04-14. Review status: criteria provided, single submitter. Criteria: Genomenon Sequence Variant Interpretation Standards - Updated. Collection method: curation. Allele origin: germline. Affected: yes.
Comment: ABCB11 p.Ile1170Thr (c.3509T>C) is a missense variant that changes the amino acid at residue 1170 from Isoleucine to Threonine. This variant has been observed in at least one proband with an ABCB11-related disorder (PMID:33215027). It is absent or not present at a significant frequency in gnomAD. In silico models predict that this variant is possibly or probably damaging. In conclusion, we classify ABCB11 p.Ile1170Thr (c.3509T>C) as a variant of uncertain significance.

Blueprint Genetics
Classification: Uncertain significance. Last evaluated: 2024-08-28. Review status: criteria provided, single submitter. Criteria: ACMG Guidelines, 2015. Collection method: clinical testing. Allele origin: germline.

Literature cited by the submitters: PubMed 33215027 (cited by Genomenon, Inc).

NM_003742.4(ABCB11):c.3509T>C (p.Ile1170Thr)

Gene: ABCB11 (ATP binding cassette subfamily B member 11; minus strand). Cytogenetic location: 2q31.1.
Variant type: single nucleotide variant.
Coding change: c.3509T>C on transcript NM_003742.4 (MANE Select); coding-DNA position 3509, T replaced by C.
Protein change: p.Ile1170Thr; replaces isoleucine 1170 with threonine.
Molecular consequence: missense variant.
Genome position (GRCh38, 1-based): chr2:168,927,265, A>G on the plus strand (T>C on the coding strand, the complement: ABCB11 is on the minus strand). VCF-style: chr2-168927265-A-G. GRCh37 (hg19) VCF-style: chr2-169783775-A-G.
Other names: short protein forms I1170T.
Identifiers: ClinVar variation 4846040 (VCV004846040.2).
Genomic context (GRCh38, chr2:168,927,265, plus strand): 5'-GCTATGACTCTTTCCATGGGAATTTCTTTGGTGTTGTCTCCATACTTGATATTGTCCATT[A>G]TGCTACAGGCAAACAACACTGGTTCCTGGGAAACAATTCCAATGTTTGAGCGGAGGAACT-3'
Protein context (NP_003733.2, residues 1160-1180): SQEPVLFACS[Ile1170Thr]MDNIKYGDNT